The following is an entry in ClinVar:

ClinVar aggregate classification (germline): Benign. Review status: criteria provided, multiple submitters, no conflicts (2 of 4 stars). 3 submissions from 3 submitters: Benign (3). Last evaluated 2026-01-27.

Allele frequency attached by ClinVar (database versions not stated): gnomAD exomes 0.00062 and 0.00150; ExAC 0.00191; gnomAD 0.00612 and 0.00660; TOPMed 0.00720; ESP Exome Variant Server 0.00730; 1000 Genomes Project 0.00779; 1000 Genomes Project 30x 0.00859.
gnomAD v4.1: 1,896 of 1,613,912 alleles (0.12%); highest among the groups gnomAD compares: African/African-American, 2.2%; 19 homozygotes.

Submissions (7):

Labcorp Genetics (formerly Invitae), Labcorp
Classification: Benign. Last evaluated: 2026-01-27. Review status: criteria provided, single submitter. Criteria: Invitae Variant Classification Sherloc (09022015). Collection method: clinical testing. Allele origin: germline.

GeneDx
Classification: Benign. Last evaluated: 2015-04-09. Review status: criteria provided, single submitter. Criteria: GeneDx Variant Classification (06012015). Collection method: clinical testing. Allele origin: germline. Affected: yes.
Comment: This variant is considered likely benign or benign based on one or more of the following criteria: it is a conservative change, it occurs at a poorly conserved position in the protein, it is predicted to be benign by multiple in silico algorithms, and/or has population frequency not consistent with disease.

Breakthrough Genomics
Classification: Benign. Review status: criteria provided, single submitter. Criteria: ACMG Guidelines, 2015. Collection method: not provided. Allele origin: germline. Inheritance: Unknown mechanism. Affected: yes.

Dr. Peter K. Rogan Lab, Western University
No classification provided (evidence only). Condition: Acute myeloid leukemia. Review status: no classification provided. Collection method: in vitro. Allele origin: not applicable. Functional consequence: retained intron. Not counted in ClinVar's aggregate classification.

Dr. Peter K. Rogan Lab, Western University
No classification provided (evidence only). Condition: Uterine corpus endometrial carcinoma. Review status: no classification provided. Collection method: in vitro. Allele origin: not applicable. Functional consequence: retained intron. Not counted in ClinVar's aggregate classification.

Dr. Peter K. Rogan Lab, Western University
No classification provided (evidence only). Condition: Cervical cancer. Review status: no classification provided. Collection method: in vitro. Allele origin: not applicable. Functional consequence: retained intron. Not counted in ClinVar's aggregate classification.

Dr. Peter K. Rogan Lab, Western University
No classification provided (evidence only). Condition: Sarcoma. Review status: no classification provided. Collection method: in vitro. Allele origin: not applicable. Functional consequence: retained intron. Not counted in ClinVar's aggregate classification.

NM_144736.5(NDUFAF7):c.937-19T>G

Gene: NDUFAF7 (NADH:ubiquinone oxidoreductase complex assembly factor 7; plus strand). Cytogenetic location: 2p22.2.
Variant type: single nucleotide variant.
Coding change: c.937-19T>G on transcript NM_144736.5 (MANE Select); 19 bases into the intron before coding-DNA position 937, T replaced by G.
Molecular consequence: intron variant.
Genome position (GRCh38, 1-based): chr2:37,247,437, T>G. VCF-style: chr2-37247437-T-G. GRCh37 (hg19) VCF-style: chr2-37474580-T-G.
Other names: c.937-19T>G (NM_001350024.2); c.724-19T>G (NM_001350027.2); c.856-19T>G (NM_001350025.2); c.643-19T>G (NM_001083946.2).
Identifiers: ClinVar variation 378248 (VCV000378248.11), dbSNP rs115073151, ClinGen allele CA1617341.
Genomic context (GRCh38, chr2:37,247,437, plus strand): 5'-TAAATAACTTTAATATGATAGCATTTCTTTAATCTTAATAACCATAAAAGGGCAAAAATC[T>G]GATTTCTTTATGTTCAAGGGGTTTTGCGACCACAAGCTTCATGATGTCTTAATTGCCCCA-3'